The following is an entry in ClinVar:

NM_001025616.3(ARHGAP24):c.38A>G (p.Gln13Arg)

Gene: ARHGAP24 (Rho GTPase activating protein 24; plus strand). Cytogenetic location: 4q21.23.
Variant type: single nucleotide variant.
Coding change: c.38A>G on transcript NM_001025616.3 (MANE Select); coding-DNA position 38, A replaced by G.
Protein change: p.Gln13Arg; replaces glutamine 13 with arginine.
Molecular consequence: missense variant.
Genome position (GRCh38, 1-based): chr4:85,570,579, A>G. VCF-style: chr4-85570579-A-G. GRCh37 (hg19) VCF-style: chr4-86491732-A-G.
Other names: short protein forms Q13R.
Identifiers: ClinVar variation 3687224 (VCV003687224.2).

ClinVar aggregate classification (germline): Uncertain significance (1 of 4 stars; one submission).

Submission:

Labcorp Genetics (formerly Invitae), Labcorp
Classification: Uncertain significance. Last evaluated: 2024-10-25. Review status: criteria provided, single submitter. Criteria: Invitae Variant Classification Sherloc (09022015). Collection method: clinical testing. Allele origin: germline.
Comment: This sequence change replaces glutamine, which is neutral and polar, with arginine, which is basic and polar, at codon 13 of the ARHGAP24 protein (p.Gln13Arg). This variant is not present in population databases (gnomAD no frequency). This variant has not been reported in the literature in individuals affected with ARHGAP24-related conditions. An algorithm developed to predict the effect of missense changes on protein structure and function (PolyPhen-2) suggests that this variant is likely to be tolerated. In summary, the available evidence is currently insufficient to determine the role of this variant in disease. Therefore, it has been classified as a Variant of Uncertain Significance.